The following is an entry in ClinVar:

ClinVar aggregate classification (germline): Uncertain significance. Review status: criteria provided, multiple submitters, no conflicts (2 of 4 stars). 2 submissions from 2 submitters: Uncertain significance (2). Last evaluated 2024-11-13.

Conditions:
Inborn genetic diseases. Identifiers: MedGen C0950123, MeSH D030342.
Early-infantile DEE. Also called: Ohtahara syndrome; Early infantile epileptic encephalopathy; Early infantile epileptic encephalopathy with suppression bursts. Identifiers: Orphanet 1934, MedGen C0393706, MONDO:0800491.

gnomAD v4.1: 1 of 1,603,932 alleles (0.000062%); highest among the groups gnomAD compares: Non-Finnish European, 0.000085%; no homozygotes.

Submissions (2):

Ambry Genetics
Classification: Uncertain significance for Inborn genetic diseases. Last evaluated: 2024-11-13. Review status: criteria provided, single submitter. Criteria: Ambry Variant Classification Scheme 2023. Collection method: clinical testing. Allele origin: germline.

Labcorp Genetics (formerly Invitae), Labcorp
Classification: Uncertain significance for Early-infantile DEE. Last evaluated: 2024-09-12. Review status: criteria provided, single submitter. Criteria: Invitae Variant Classification Sherloc (09022015). Collection method: clinical testing. Allele origin: germline.
Comment: This sequence change replaces valine, which is neutral and non-polar, with methionine, which is neutral and non-polar, at codon 648 of the SCN8A protein (p.Val648Met). This variant is not present in population databases (gnomAD no frequency). This variant has not been reported in the literature in individuals affected with SCN8A-related conditions. Invitae Evidence Modeling of protein sequence and biophysical properties (such as structural, functional, and spatial information, amino acid conservation, physicochemical variation, residue mobility, and thermodynamic stability) indicates that this missense variant is not expected to disrupt SCN8A protein function with a negative predictive value of 95%. In summary, the available evidence is currently insufficient to determine the role of this variant in disease. Therefore, it has been classified as a Variant of Uncertain Significance.

NM_001330260.2(SCN8A):c.1942G>A (p.Val648Met)

Gene: SCN8A (sodium voltage-gated channel alpha subunit 8; plus strand). Cytogenetic location: 12q13.13.
Variant type: single nucleotide variant.
Coding change: c.1942G>A on transcript NM_001330260.2 (MANE Select); coding-DNA position 1942, G replaced by A.
Protein change: p.Val648Met; replaces valine 648 with methionine.
Molecular consequence: missense variant.
Genome position (GRCh38, 1-based): chr12:51,721,852, G>A. VCF-style: chr12-51721852-G-A. GRCh37 (hg19) VCF-style: chr12-52115636-G-A.
Other names: c.1942G>A, p.Val648Met (NM_001177984.3, NM_001369788.1, NM_014191.4); short protein forms V648M.
Identifiers: ClinVar variation 3438338 (VCV003438338.3).